The following is an entry in ClinVar:

ClinVar aggregate classification (germline): Uncertain significance. Review status: criteria provided, multiple submitters, no conflicts (2 of 4 stars). 2 submissions from 2 submitters: Uncertain significance (2). Last evaluated 2024-11-16.

Conditions:
Hereditary cancer-predisposing syndrome. Also called: Neoplastic Syndromes, Hereditary; Tumor predisposition; Hereditary neoplastic syndrome; Hereditary Cancer Syndrome. Identifiers: Orphanet 140162, MedGen C0027672, MeSH D009386, MONDO:0015356.
Bloom syndrome (BLM). Also called: Bloom-Torre-Machacek syndrome. Identifiers: Orphanet 125, MedGen C0005859, MONDO:0008876, OMIM 210900.

Submissions (2):

Ambry Genetics
Classification: Uncertain significance for Hereditary cancer-predisposing syndrome. Last evaluated: 2024-11-16. Review status: criteria provided, single submitter. Criteria: Ambry Variant Classification Scheme 2023. Collection method: clinical testing. Allele origin: germline.
Comment: The p.D1188V variant (also known as c.3563A>T), located in coding exon 18 of the BLM gene, results from an A to T substitution at nucleotide position 3563. The aspartic acid at codon 1188 is replaced by valine, an amino acid with highly dissimilar properties. This amino acid position is well conserved in available vertebrate species. In addition, the in silico prediction for this alteration is inconclusive. Since supporting evidence is limited at this time, the clinical significance of this alteration remains unclear.

Labcorp Genetics (formerly Invitae), Labcorp
Classification: Uncertain significance for Bloom syndrome. Last evaluated: 2024-06-30. Review status: criteria provided, single submitter. Criteria: Invitae Variant Classification Sherloc (09022015). Collection method: clinical testing. Allele origin: germline.
Comment: This sequence change replaces aspartic acid, which is acidic and polar, with valine, which is neutral and non-polar, at codon 1188 of the BLM protein (p.Asp1188Val). This variant is not present in population databases (gnomAD no frequency). This variant has not been reported in the literature in individuals affected with BLM-related conditions. ClinVar contains an entry for this variant (Variation ID: 823932). Advanced modeling of protein sequence and biophysical properties (such as structural, functional, and spatial information, amino acid conservation, physicochemical variation, residue mobility, and thermodynamic stability) performed at Invitae indicates that this missense variant is not expected to disrupt BLM protein function with a negative predictive value of 80%. In summary, the available evidence is currently insufficient to determine the role of this variant in disease. Therefore, it has been classified as a Variant of Uncertain Significance.

NM_000057.4(BLM):c.3563A>T (p.Asp1188Val)

Gene: BLM (BLM RecQ like helicase; plus strand). Cytogenetic location: 15q26.1.
Variant type: single nucleotide variant.
Coding change: c.3563A>T on transcript NM_000057.4 (MANE Select); coding-DNA position 3563, A replaced by T.
Protein change: p.Asp1188Val; replaces aspartic acid 1188 with valine.
Molecular consequence: missense variant. On other transcripts: intron variant (1).
Genome position (GRCh38, 1-based): chr15:90,804,171, A>T. VCF-style: chr15-90804171-A-T. GRCh37 (hg19) VCF-style: chr15-91347401-A-T.
Other names: c.3563A>T, p.Asp1188Val (NM_001287246.2); c.2438A>T, p.Asp813Val (NM_001287248.2); c.3359-4966A>T (NM_001287247.2); short protein forms D813V, D1188V.
Identifiers: ClinVar variation 823932 (VCV000823932.7), dbSNP rs899745787, ClinGen allele CA393847881.